The following is an entry in ClinVar:

NM_003194.5(TBP):c.255G>A (p.Gln85=)

Genes: TBP (TATA-box binding protein; plus strand), LOC108663996 (TATA-box binding protein repeat instability region; plus strand). Cytogenetic location: 6q27.
Variant type: single nucleotide variant.
Coding change: c.255G>A on transcript NM_003194.5 (MANE Select); coding-DNA position 255, G replaced by A.
Protein change: p.Gln85=; no amino-acid change (glutamine 85 retained).
Molecular consequence: synonymous variant.
Genome position (GRCh38, 1-based): chr6:170,561,991, G>A. VCF-style: chr6-170561991-G-A. GRCh37 (hg19) VCF-style: chr6-170871079-G-A.
Other names: c.195G>A, p.Gln65= (NM_001172085.2).
Identifiers: ClinVar variation 3898079 (VCV003898079.7).

ClinVar aggregate classification (germline): Likely benign (1 of 4 stars; one submission).

Submission:

CeGaT Center for Human Genetics Tuebingen
Classification: Likely benign. Last evaluated: 2026-07-01. Review status: criteria provided, single submitter. Criteria: CeGaT Center For Human Genetics Tuebingen Variant Classification Criteria Version 2. Collection method: clinical testing. Allele origin: germline. Affected: yes. Observed: 4 variant alleles.
Comment: TBP: BP4, BP7